The following is an entry in ClinVar:

ClinVar aggregate classification (germline): Uncertain significance (1 of 4 stars; one submission).

Conditions:
Hypertrophic cardiomyopathy. Also called: HYPERTROPHIC MYOCARDIOPATHY. Identifiers: Orphanet 217569, MedGen C0007194, MeSH D002312, MONDO:0005045, HP:0001639.

gnomAD v4.1: 1 of 1,547,156 alleles (0.000065%); no homozygotes.

Submission:

Labcorp Genetics (formerly Invitae), Labcorp
Classification: Uncertain significance for Hypertrophic cardiomyopathy. Last evaluated: 2022-01-01. Review status: criteria provided, single submitter. Criteria: Invitae Variant Classification Sherloc (09022015). Collection method: clinical testing. Allele origin: germline.
Comment: This sequence change replaces glutamic acid, which is acidic and polar, with aspartic acid, which is acidic and polar, at codon 444 of the JPH2 protein (p.Glu444Asp). This variant is not present in population databases (gnomAD no frequency). In summary, the available evidence is currently insufficient to determine the role of this variant in disease. Therefore, it has been classified as a Variant of Uncertain Significance. Algorithms developed to predict the effect of missense changes on protein structure and function are either unavailable or do not agree on the potential impact of this missense change (SIFT: "Tolerated"; PolyPhen-2: "Possibly Damaging"; Align-GVGD: "Class C0"). This variant has not been reported in the literature in individuals affected with JPH2-related conditions.

NM_020433.5(JPH2):c.1332G>T (p.Glu444Asp)

Gene: JPH2 (junctophilin 2; minus strand). Cytogenetic location: 20q13.12.
Variant type: single nucleotide variant.
Coding change: c.1332G>T on transcript NM_020433.5 (MANE Select); coding-DNA position 1332, G replaced by T.
Protein change: p.Glu444Asp; replaces glutamic acid 444 with aspartic acid.
Molecular consequence: missense variant.
Genome position (GRCh38, 1-based): chr20:44,116,343, C>A on the plus strand (G>T on the coding strand, the complement: JPH2 is on the minus strand). VCF-style: chr20-44116343-C-A. GRCh37 (hg19) VCF-style: chr20-42744983-C-A.
Other names: short protein forms E444D.
Identifiers: ClinVar variation 2416146 (VCV002416146.6), dbSNP rs2072192576, ClinGen allele CA409100861.